The following is an entry in ClinVar:

ClinVar aggregate classification (germline): Benign. Review status: criteria provided, multiple submitters, no conflicts (2 of 4 stars). 11 submissions from 11 submitters: Benign (9). 2 of the submissions do not count toward it. Last evaluated 2026-02-04.

Conditions:
Cardiovascular phenotype. Identifiers: MedGen CN230736.
Aortic aneurysm, familial thoracic 7 (AAT7). Also called: AORTIC DISSECTION, FAMILIAL, WITH OR WITHOUT AORTIC ANEURYSM. Identifiers: MedGen C3151077, MONDO:0013418, OMIM 613780.

Submissions (11):

Labcorp Genetics (formerly Invitae), Labcorp
Classification: Benign for Aortic aneurysm, familial thoracic 7. Last evaluated: 2026-02-04. Review status: criteria provided, single submitter. Criteria: Invitae Variant Classification Sherloc (09022015). Collection method: clinical testing. Allele origin: germline.

ARUP Laboratories, Molecular Genetics and Genomics, ARUP Laboratories
Classification: Benign. Last evaluated: 2025-07-21. Review status: criteria provided, single submitter. Criteria: ARUP Molecular Germline Variant Investigation Process 2024. Collection method: clinical testing. Allele origin: germline.

Molecular Diagnostic Laboratory for Inherited Cardiovascular Disease, Montreal Heart Institute
Classification: Benign. Last evaluated: 2025-04-09. Review status: criteria provided, single submitter. Criteria: ACMG Guidelines, 2015. Collection method: clinical testing. Allele origin: germline. Affected: no.

Women's Health and Genetics/Laboratory Corporation of America, LabCorp
Classification: Benign. Last evaluated: 2019-08-26. Review status: criteria provided, single submitter. Criteria: LabCorp Variant Classification Summary - May 2015. Collection method: clinical testing. Allele origin: germline.
Comment: Variant summary: MYLK c.4289-3dupC alters a conserved nucleotide located close to a canonical splice site and therefore could affect mRNA splicing, leading to a significantly altered protein sequence. 5/5 computational tools predict no significant impact on normal splicing. However, these predictions have yet to be confirmed by functional studies. The variant allele was found at a frequency of 0.035 in 248442 control chromosomes in the gnomAD database, including 170 homozygotes. The observed variant frequency is approximately 1404 fold of the estimated maximal expected allele frequency for a pathogenic variant in MYLK causing Aortopathy phenotype (2.5e-05), strongly suggesting that the variant is benign. To our knowledge, no occurrence of c.4289-3dupC in individuals affected with Aortopathy and no experimental evidence demonstrating its impact on protein function have been reported. One clinical diagnostic laboratory has submitted clinical-significance assessments for this variant to ClinVar after 2014 without evidence for independent evaluation and classified the variant as uncertain significance. Based on the evidence outlined above, the variant was classified as benign.

GeneDx
Classification: Benign. Last evaluated: 2016-09-29. Review status: criteria provided, single submitter. Criteria: GeneDx Variant Classification (06012015). Collection method: clinical testing. Allele origin: germline. Affected: yes.
Comment: This variant is considered likely benign or benign based on one or more of the following criteria: it is a conservative change, it occurs at a poorly conserved position in the protein, it is predicted to be benign by multiple in silico algorithms, and/or has population frequency not consistent with disease.

Ambry Genetics
Classification: Benign for Cardiovascular phenotype. Last evaluated: 2015-06-30. Review status: criteria provided, single submitter. Criteria: Ambry Autosomal Dominant and X-Linked criteria (10/2015). Collection method: clinical testing. Allele origin: germline. Observed: 1 variant allele.
Comment: General population or subpopulation frequency is too high to be a pathogenic mutation based on disease/syndrome prevalence and penetrance

Laboratory for Molecular Medicine, Mass General Brigham Personalized Medicine
Classification: Benign. Last evaluated: 2015-06-09. Review status: criteria provided, single submitter. Criteria: LMM Criteria. Collection method: clinical testing. Allele origin: germline. Observed: 3 variant alleles.
Comment: c.4289-3_4289-2insC in intron 24 of MYLK: This variant is not expected to have c linical significance it has been identified in 5% (3279/66076) of European chrom osomes by the Exome Aggregation Consortium (ExAC ; dbSNP rs200371896, rs41431347).

Mayo Clinic Laboratories, Mayo Clinic
Classification: Benign. Last evaluated: 2015-03-17. Review status: criteria provided, single submitter. Criteria: ACMG Guidelines, 2015. Collection method: clinical testing. Allele origin: germline. Observed: 120 variant alleles.

PreventionGenetics, part of Exact Sciences
Classification: Benign. Review status: criteria provided, single submitter. Criteria: ACMG Guidelines, 2015. Collection method: clinical testing. Allele origin: germline.

Clinical Genetics DNA and cytogenetics Diagnostics Lab, Erasmus MC, Erasmus Medical Center
Classification: Benign. Review status: no assertion criteria provided. Collection method: clinical testing. Allele origin: germline. Affected: yes. Study: VKGL Data-share Consensus. Not counted in ClinVar's aggregate classification.

Genome Diagnostics Laboratory, University Medical Center Utrecht
Classification: Likely benign. Review status: no assertion criteria provided. Collection method: clinical testing. Allele origin: germline. Affected: yes. Study: VKGL Data-share Consensus. Not counted in ClinVar's aggregate classification.

NM_053025.4(MYLK):c.4289-10dup

Gene: MYLK (myosin light chain kinase; minus strand). Cytogenetic location: 3q21.1.
Variant type: Duplication.
Coding change: c.4289-10dup on transcript NM_053025.4 (MANE Select); 10 bases into the intron before coding-DNA position 4289, one base duplicated (C; older notation c.4289-10dupC).
Molecular consequence: intron variant.
Genome position (GRCh38, 1-based): chr3:123,649,197, G duplicated on the plus strand (C on the coding strand, the reverse complement: MYLK is on the minus strand); the first of 8 consecutive G bases (chr3:123,649,197-123,649,204); duplicating any one gives the same sequence. VCF-style (leftmost placement, unchanged base first): chr3-123649196-T-TG. GRCh37 (hg19) VCF-style: chr3-123368043-T-TG.
Other names: p.?; c.4289-10dup (NM_053027.4); c.3761-10dup (NM_001321309.2); c.4082-10dup (NM_053028.4, NM_053026.4); c.4289-3dupC (NM_053025.3); c.4289-3dup (NM_053025.4).
Identifiers: ClinVar variation 226768 (VCV000226768.40), dbSNP rs41431347, ClinGen allele CA2577953.